The following is an entry in ClinVar:

NM_004727.3(SLC24A1):c.1910C>T (p.Ala637Val)

Gene: SLC24A1 (solute carrier family 24 member 1; plus strand). Cytogenetic location: 15q22.31.
Variant type: single nucleotide variant.
Coding change: c.1910C>T on transcript NM_004727.3 (MANE Select); coding-DNA position 1910, C replaced by T.
Protein change: p.Ala637Val; replaces alanine 637 with valine.
Molecular consequence: missense variant. On other transcripts: intron variant (2).
Genome position (GRCh38, 1-based): chr15:65,638,147, C>T. VCF-style: chr15-65638147-C-T. GRCh37 (hg19) VCF-style: chr15-65930485-C-T.
Other names: c.1910C>T, p.Ala637Val (NM_001301031.1); c.1891-1448C>T (NM_001301033.2, NM_001301032.1); short protein forms A637V.
Identifiers: ClinVar variation 316797 (VCV000316797.11), dbSNP rs375420645, ClinGen allele CA7620013.

ClinVar aggregate classification (germline): Uncertain significance. Review status: criteria provided, multiple submitters, no conflicts (2 of 4 stars). 3 submissions from 3 submitters: Uncertain significance (3). Last evaluated 2024-06-17.

Conditions:
Inborn genetic diseases. Identifiers: MedGen C0950123, MeSH D030342.
Congenital stationary night blindness 1D. Also called: Night blindness, congenital stationary (complete), 1D, autosomal recessive. Identifiers: Orphanet 215, MedGen C3151193, MONDO:0013450, OMIM 613830.

Allele frequency attached by ClinVar (database versions not stated): gnomAD 0.00007 and 0.00008; TOPMed 0.00007; gnomAD exomes 0.00010 and 0.00011; ExAC 0.00020.
gnomAD v4.1: 162 of 1,609,612 alleles (0.01%); highest among the groups gnomAD compares: South Asian, 0.063%; no homozygotes.

Submissions (3):

Ambry Genetics
Classification: Uncertain significance for Inborn genetic diseases. Last evaluated: 2024-06-17. Review status: criteria provided, single submitter. Criteria: Ambry Variant Classification Scheme 2023. Collection method: clinical testing. Allele origin: germline.

Labcorp Genetics (formerly Invitae), Labcorp
Classification: Uncertain significance. Last evaluated: 2022-08-16. Review status: criteria provided, single submitter. Criteria: Invitae Variant Classification Sherloc (09022015). Collection method: clinical testing. Allele origin: germline.
Comment: This sequence change replaces alanine, which is neutral and non-polar, with valine, which is neutral and non-polar, at codon 637 of the SLC24A1 protein (p.Ala637Val). The frequency data for this variant in the population databases is considered unreliable, as metrics indicate poor data quality at this position in the gnomAD database. This variant has not been reported in the literature in individuals affected with SLC24A1-related conditions. ClinVar contains an entry for this variant (Variation ID: 316797). Algorithms developed to predict the effect of missense changes on protein structure and function output the following: SIFT: "Tolerated"; PolyPhen-2: "Benign"; Align-GVGD: "Class C0". The valine amino acid residue is found in multiple mammalian species, which suggests that this missense change does not adversely affect protein function. In summary, the available evidence is currently insufficient to determine the role of this variant in disease. Therefore, it has been classified as a Variant of Uncertain Significance.

Illumina Laboratory Services, Illumina
Classification: Uncertain significance for Congenital stationary night blindness 1D. Last evaluated: 2018-01-13. Review status: criteria provided, single submitter. Criteria: ICSL Variant Classification Criteria 13 December 2019. Collection method: clinical testing. Allele origin: germline.